The following is an entry in ClinVar:

NM_033118.4(MYLK2):c.558G>A (p.Thr186=)

Gene: MYLK2 (myosin light chain kinase 2; plus strand). Cytogenetic location: 20q11.21.
Variant type: single nucleotide variant.
Coding change: c.558G>A on transcript NM_033118.4 (MANE Select); coding-DNA position 558, G replaced by A.
Protein change: p.Thr186=; no amino-acid change (threonine 186 retained).
Molecular consequence: synonymous variant.
Genome position (GRCh38, 1-based): chr20:31,821,523, G>A. VCF-style: chr20-31821523-G-A. GRCh37 (hg19) VCF-style: chr20-30409326-G-A.
Identifiers: ClinVar variation 164498 (VCV000164498.12), dbSNP rs140695242, ClinGen allele CA177189.

ClinVar aggregate classification (germline): Conflicting classifications of pathogenicity. Review status: criteria provided, conflicting classifications (1 of 4 stars). 3 submissions from 3 submitters: Uncertain significance (1); Likely benign (2). Last evaluated 2025-06-12.

Conditions:
Hypertrophic cardiomyopathy 1 (CMH1). Also called: Familial hypertrophic cardiomyopathy 1; MYH7-Related Familial Hypertrophic Cardiomyopathy. Identifiers: MedGen C3495498, MONDO:0008647, OMIM 192600.

Allele frequency attached by ClinVar (database versions not stated): gnomAD exomes 0.00001 and 0.00003; ExAC 0.00002; gnomAD 0.00003 and 0.00004; TOPMed 0.00004; ESP Exome Variant Server 0.00008; 1000 Genomes Project 0.00020; 1000 Genomes Project 30x 0.00031.

Submissions (3):

Labcorp Genetics (formerly Invitae), Labcorp
Classification: Likely benign for Hypertrophic cardiomyopathy 1. Last evaluated: 2025-06-12. Review status: criteria provided, single submitter. Criteria: Invitae Variant Classification Sherloc (09022015). Collection method: clinical testing. Allele origin: germline.

Center for Genomics, Ann and Robert H. Lurie Children's Hospital of Chicago
Classification: Uncertain significance for Hypertrophic cardiomyopathy 1. Last evaluated: 2021-03-30. Review status: criteria provided, single submitter. Criteria: ACMG Guidelines, 2015. Collection method: clinical testing. Allele origin: germline.
Comment: MYLK2 NM_033118.3 exon 4 p.Thr186= (c.558G>A): This variant has not been reported in the literature but is present in 0.02% (5/18384) of East Asian alleles in the Genome Aggregation Database. This variant is present in ClinVar (Variation ID:164498). Evolutionary conservation and computational predictive tools for this variant are limited or unavailable. Of note, this variant is a silent variant and does not change the amino acid, reducing the probability that this variant is disease causing. In summary, data on this variant is insufficient for disease classification. Therefore, the clinical significance of this variant is uncertain.

Laboratory for Molecular Medicine, Mass General Brigham Personalized Medicine
Classification: Likely benign. Last evaluated: 2012-03-19. Review status: criteria provided, single submitter. Criteria: LMM Criteria. Collection method: clinical testing. Allele origin: germline. Observed: 1 variant allele.
Comment: Thr186Thr in exon 4 of MYLK2: This variant is not expected to have clinical sign ificance because it does not alter an amino acid residue and is not located with in the splice consensus sequence. It has been identified in 1/3738 African Ameri can chromosomes from a broad population by the NHLBI Exome Sequencing Project (dbSNP rs140695242).